The following is an entry in ClinVar:

NM_201384.3(PLEC):c.13492C>T (p.Arg4498Trp)

Gene: PLEC (plectin; minus strand). Cytogenetic location: 8q24.3.
Variant type: single nucleotide variant.
Coding change: c.13492C>T on transcript NM_201384.3 (MANE Select); coding-DNA position 13492, C replaced by T.
Protein change: p.Arg4498Trp; replaces arginine 4498 with tryptophan.
Molecular consequence: missense variant.
Genome position (GRCh38, 1-based): chr8:143,916,329, G>A on the plus strand (C>T on the coding strand, the complement: PLEC is on the minus strand). VCF-style: chr8-143916329-G-A. GRCh37 (hg19) VCF-style: chr8-144990497-G-A.
Other names: c.13573C>T, p.Arg4525Trp (NM_000445.5); c.13450C>T, p.Arg4484Trp (NM_201378.4); c.13426C>T, p.Arg4476Trp (NM_201379.3); c.13903C>T, p.Arg4635Trp (NM_201380.4); c.13396C>T, p.Arg4466Trp (NM_201381.3); c.13492C>T, p.Arg4498Trp (NM_201382.4); c.13504C>T, p.Arg4502Trp (NM_201383.3); short protein forms R4466W, R4476W, R4484W, R4498W, R4502W, R4525W, R4635W.
Identifiers: ClinVar variation 487245 (VCV000487245.9), dbSNP rs1186944515, ClinGen allele CA372474183.
Genomic context (GRCh38, chr8:143,916,329, plus strand): 5'-AGAAGGTCATGGAGAAGCCGGAGCCGGTGGCGTCAAAGCTGCCGCGGCGGGAGCCGGCCC[G>A]GGAGCCGGTGCGCGAGCCGGTGCGGGAGCCAGCGGTAGAGCCGGAGCCGCTGACGCTGTA-3'
Protein context (NP_958786.1, residues 4488-4508): GSRTGSRTGS[Arg4498Trp]AGSRRGSFDA

ClinVar aggregate classification (germline): Uncertain significance (1 of 4 stars; one submission).

Conditions:
Autosomal recessive limb-girdle muscular dystrophy type 2Q (LGMDR17). Also called: MUSCULAR DYSTROPHY, LIMB-GIRDLE, AUTOSOMAL RECESSIVE 17. Identifiers: Orphanet 254361, MedGen C3150989, MONDO:0013390, OMIM 613723.
Epidermolysis bullosa simplex with nail dystrophy (EBS5D). Identifiers: MedGen C4225309, MONDO:0014661, OMIM 616487.
Epidermolysis bullosa simplex 5B, with muscular dystrophy (EBS5B). Also called: EPIDERMOLYSIS BULLOSA SIMPLEX AND LIMB-GIRDLE MUSCULAR DYSTROPHY; Epidermolysis bullosa simplex with muscular dystrophy. Identifiers: Orphanet 257, MedGen C2931072, MONDO:0009181, OMIM 226670.
Epidermolysis bullosa simplex, Ogna type (EBS5A). Also called: EPIDERMOLYSIS BULLOSA SIMPLEX 5A, OGNA TYPE; Pidermolysis bullosa simplex 5A, Ogna type. Identifiers: Orphanet 79401, MedGen C0432317, MONDO:0007555, OMIM 131950.
Epidermolysis bullosa simplex 5C, with pyloric atresia (EBS5C). Also called: PLEC-Related Epidermolysis Bullosa with Pyloric Atresia; Epidermolysis bullosa simplex with pyloric atresia; PLEC1-Related Epidermolysis Bullosa with Pyloric Atresia. Identifiers: Orphanet 158684, MedGen C2677349, MONDO:0012807, OMIM 612138.

Allele frequency attached by ClinVar (database versions not stated): gnomAD 0.00001; gnomAD exomes 0.00001 and 0.00002; TOPMed 0.00004.
gnomAD v4.1: 27 of 1,593,362 alleles (0.0017%); highest among the groups gnomAD compares: East Asian, 0.0023%; no homozygotes.

Submission:

Labcorp Genetics (formerly Invitae), Labcorp
Classification: Uncertain significance for Autosomal recessive limb-girdle muscular dystrophy type 2Q; Epidermolysis bullosa simplex, Ogna type; Epidermolysis bullosa simplex with nail dystrophy; Epidermolysis bullosa simplex 5C, with pyloric atresia; Epidermolysis bullosa simplex 5B, with muscular dystrophy. Last evaluated: 2025-11-25. Review status: criteria provided, single submitter. Criteria: Invitae Variant Classification Sherloc (09022015). Collection method: clinical testing. Allele origin: germline.
Comment: This sequence change replaces arginine, which is basic and polar, with tryptophan, which is neutral and slightly polar, at codon 4525 of the PLEC protein (p.Arg4525Trp). This variant is present in population databases (no rsID available, gnomAD 0.002%). This variant has not been reported in the literature in individuals affected with PLEC-related conditions. ClinVar contains an entry for this variant (Variation ID: 487245). Experimental studies and prediction algorithms are not available or were not evaluated, and the functional significance of this variant is currently unknown. In summary, the available evidence is currently insufficient to determine the role of this variant in disease. Therefore, it has been classified as a Variant of Uncertain Significance.